The following is an entry in ClinVar:

NM_001848.3(COL6A1):c.850G>A (p.Gly284Arg)

Gene: COL6A1 (collagen type VI alpha 1 chain; plus strand). Cytogenetic location: 21q22.3.
Variant type: single nucleotide variant.
Coding change: c.850G>A on transcript NM_001848.3 (MANE Select); coding-DNA position 850, G replaced by A.
Protein change: p.Gly284Arg; replaces glycine 284 with arginine.
Molecular consequence: missense variant.
Genome position (GRCh38, 1-based): chr21:45,989,129, G>A. VCF-style: chr21-45989129-G-A. GRCh37 (hg19) VCF-style: chr21-47409043-G-A.
Other names: G284R; p.G284R:GGA>AGA.
Identifiers: ClinVar variation 17180 (VCV000017180.34), dbSNP rs121912938, ClinGen allele CA127115.

ClinVar aggregate classification (germline): Pathogenic/Likely pathogenic. Review status: criteria provided, multiple submitters, no conflicts (2 of 4 stars). 16 submissions from 16 submitters: Pathogenic (11); Likely pathogenic (1). 4 of the submissions do not count toward it. Last evaluated 2025-09-10.

Conditions:
ULLRICH CONGENITAL MUSCULAR DYSTROPHY 1A, AUTOSOMAL DOMINANT.
COL6A1-related disorder. Also called: COL6A1-related condition.
Collagen 6-related myopathy. Identifiers: MedGen CN117976, MONDO:0100225.
Ullrich congenital muscular dystrophy 1A. Also called: Ullrich congenital muscular dystrophy 1; Intermediate COL6-RD. Identifiers: Orphanet 75840, MedGen C0410179, MONDO:0009681, OMIM 254090.
Bethlem myopathy 1A. Also called: Bethlem myopathy 1; MYOPATHY, BENIGN CONGENITAL, WITH CONTRACTURES; Bethlem Muscular Dystrophy. Identifiers: Orphanet 610, MedGen CN029274, MONDO:0024530, OMIM 158810.

Submissions (16):

Genomic Medicine Center of Excellence, King Faisal Specialist Hospital and Research Centre
Classification: Likely pathogenic for Ullrich congenital muscular dystrophy 1A. Last evaluated: 2025-09-10. Review status: criteria provided, single submitter. Criteria: ACMG Guidelines, 2015. Collection method: clinical testing. Allele origin: germline.

Labcorp Genetics (formerly Invitae), Labcorp
Classification: Pathogenic for Bethlem myopathy 1A. Last evaluated: 2024-10-29. Review status: criteria provided, single submitter. Criteria: Invitae Variant Classification Sherloc (09022015). Collection method: clinical testing. Allele origin: germline.
Comment: This sequence change replaces glycine, which is neutral and non-polar, with arginine, which is basic and polar, at codon 284 of the COL6A1 protein (p.Gly284Arg). This variant is not present in population databases (gnomAD no frequency). This missense change has been observed in individual(s) with autosomal dominant Ullrich congenital muscular dystrophy (UCMD) (PMID: 15689448, 16130093, 18825676, 19564581, 24038877, 24801232). In at least one individual the variant was observed to be de novo. ClinVar contains an entry for this variant (Variation ID: 17180). Invitae Evidence Modeling of protein sequence and biophysical properties (such as structural, functional, and spatial information, amino acid conservation, physicochemical variation, residue mobility, and thermodynamic stability) indicates that this missense variant is expected to disrupt COL6A1 protein function with a positive predictive value of 80%. Experimental studies have shown that this missense change affects COL6A1 function (PMID: 17785674). This variant disrupts the triple helix domain of COL6A1. Glycine residues within the Gly-Xaa-Yaa repeats of the triple helix domain are required for the structure and stability of fibrillar collagens (PMID: 7695699, 8218237, 19344236). In COL6A1, variants at these glycine residues are significantly enriched in individuals with autosomal dominant disease (PMID: 15689448, 24038877) compared to the general population (ExAC). For these reasons, this variant has been classified as Pathogenic.

Illumina Laboratory Services, Illumina
Classification: Pathogenic for Collagen 6-related myopathy. Last evaluated: 2023-04-21. Review status: criteria provided, single submitter. Criteria: ICSLVariantClassificationCriteria RUGD 01 April 2020. Collection method: clinical testing. Allele origin: unknown.
Comment: The COL6A1 c.850G>A (p.Gly284Arg) variant is a missense variant. Across a selection of the available literature, this variant has been identified in a heterozygous state in a total of 23 individuals with collagen 6-related myopathy encompassing a range of severity from early onset severe Ulrich congenital muscular dystrophy to the milder presentation of Bethlam myopathy (PMID: 24038877; 32154989; 34167565; 15689448). The variant occurred de novo in at least eight of these affected individuals. This variant is not found in version 2.1.1 or version 3.1.2 of the Genome Aggregation Database. The p.Gly284Arg variant lies within the triple helix domain disrupting a highly conserved Gly-Xaa-Yaa repeat motif (PMID: 20301676; 24038877). Multiple lines of computational evidence suggest the variant may impact the gene or gene product. Based on the collective evidence the c.850G>A (p.Gly284Arg) variant is classified as pathogenic for collagen 6-related myopathy.

Revvity Omics, Revvity
Classification: Pathogenic. Last evaluated: 2022-05-05. Review status: criteria provided, single submitter. Criteria: ACMG Guidelines, 2015. Collection method: clinical testing. Allele origin: germline.

Laboratory of Medical Genetics, National & Kapodistrian University of Athens
Classification: Pathogenic for Ullrich congenital muscular dystrophy 1A. Last evaluated: 2021-10-01. Review status: criteria provided, single submitter. Criteria: ACMG Guidelines, 2015. Collection method: clinical testing. Allele origin: unknown. Affected: yes.
Comment: PS1, PM1, PM2, PP3, PP5

GeneDx
Classification: Pathogenic. Last evaluated: 2021-03-15. Review status: criteria provided, single submitter. Criteria: GeneDx Variant Classification Process June 2021. Collection method: clinical testing. Allele origin: germline. Affected: yes.
Comment: Immunostaining of muscle biopsies in individuals who were heterozygous for this sequence change revealed sarcolemma-specific collagen VI deficiency (Kawahara et al., 2007); Located in a region intolerant to change (Glycine within the Gly-X-Y motif in the triple helical (TH) domain ); This variant is associated with the following publications: (PMID: 24271325, 29406609, 15689448, 32154989, 29465610, 30894207, 31127727, 16130093, 17785674, 18362356, 17215366, 24959844, 19564581, 24038877, 28918041, 29244830, 32065942, 32528171)

Genomic Research Center, Shahid Beheshti University of Medical Sciences
Classification: Pathogenic for Ullrich congenital muscular dystrophy 1A. Last evaluated: 2020-05-03. Review status: criteria provided, single submitter. Criteria: ACMG Guidelines, 2015. Collection method: clinical testing. Allele origin: unknown. Affected: yes.

Genomic Medicine Lab, University of California San Francisco
Classification: Pathogenic for Ullrich congenital muscular dystrophy 1A. Last evaluated: 2020-01-02. Review status: criteria provided, single submitter. Criteria: ACMG Guidelines, 2015. Collection method: clinical testing. Allele origin: paternal. Inheritance: Autosomal dominant inheritance. Affected: yes. Study: CSER-P3EGS.

Blueprint Genetics
Classification: Pathogenic for COL6A1-related disorders. Last evaluated: 2018-06-05. Review status: criteria provided, single submitter. Criteria: ACMG Guidelines, 2015. Collection method: clinical testing. Allele origin: germline. Affected: yes. Observed: 1 variant allele.

Center for Pediatric Genomic Medicine, Children's Mercy Hospital and Clinics
Classification: Pathogenic. Last evaluated: 2017-09-13. Review status: criteria provided, single submitter. Criteria: ACMG Guidelines, 2015. Collection method: clinical testing. Allele origin: germline.

Athena Diagnostics
Classification: Pathogenic. Last evaluated: 2017-06-09. Review status: criteria provided, single submitter. Criteria: Athena Diagnostics Criteria. Collection method: clinical testing. Allele origin: germline.

Eurofins Ntd Llc (ga)
Classification: Pathogenic. Last evaluated: 2016-07-20. Review status: criteria provided, single submitter. Criteria: EGL Classification Definitions. Collection method: clinical testing. Allele origin: germline. Observed: 4 variant alleles, 4 heterozygotes.

Foundation for Research in Genetics and Endocrinology, FRIGE's Institute of Human Genetics
Classification: Uncertain significance for Ullrich congenital muscular dystrophy 1A. Last evaluated: 2017-02-28. Review status: no assertion criteria provided. Collection method: clinical testing. Allele origin: germline. Inheritance: Autosomal dominant inheritance. Affected: yes. Observed: 1 variant allele, 1 heterozygote. Not counted in ClinVar's aggregate classification.
Comment: The observed variant c.850G>A (p.Gly284Arg) is not reported in 1000 Genomes and ExAC databases. The in silico prediction of the variant is disease causing by MutationTaster2, tolerated by SIFT, and probably damaging by PolyPhen2.

OMIM
Classification: Pathogenic for ULLRICH CONGENITAL MUSCULAR DYSTROPHY 1A, AUTOSOMAL DOMINANT. Last evaluated: 2009-07-07. Review status: no assertion criteria provided. Collection method: literature only. Allele origin: germline. Not counted in ClinVar's aggregate classification.

Clinical Genetics, Academic Medical Center
Classification: Pathogenic. Review status: no assertion criteria provided. Collection method: clinical testing. Allele origin: germline. Affected: yes. Study: VKGL Data-share Consensus. Not counted in ClinVar's aggregate classification.

Joint Genome Diagnostic Labs from Nijmegen and Maastricht, Radboudumc and MUMC+
Classification: Pathogenic. Review status: no assertion criteria provided. Collection method: clinical testing. Allele origin: germline. Affected: yes. Study: VKGL Data-share Consensus. Not counted in ClinVar's aggregate classification.

Literature cited by the submitters: PubMed 15689448 (cited by 3 submitters); PubMed 16130093 (cited by 3 submitters); PubMed 18825676 (cited by Labcorp Genetics (formerly Invitae), Labcorp); PubMed 19564581 (cited by 3 submitters); PubMed 24038877 (cited by 3 submitters); PubMed 24801232 (cited by Labcorp Genetics (formerly Invitae), Labcorp and Athena Diagnostics); PubMed 17785674 (cited by 3 submitters); PubMed 7695699 (cited by Labcorp Genetics (formerly Invitae), Labcorp); PubMed 8218237 (cited by Labcorp Genetics (formerly Invitae), Labcorp); PubMed 19344236 (cited by Labcorp Genetics (formerly Invitae), Labcorp); PubMed 20301676 (cited by Illumina Laboratory Services, Illumina); PubMed 32154989 (cited by Illumina Laboratory Services, Illumina); PubMed 34167565 (cited by Illumina Laboratory Services, Illumina); PubMed 34008892 (cited by Laboratory of Medical Genetics, National & Kapodistrian University of Athens); PubMed 18642359 (cited by Athena Diagnostics); PubMed 23572247 (cited by Athena Diagnostics); PubMed 24959844 (cited by Athena Diagnostics); PubMed 17785673 (cited by Athena Diagnostics); PubMed 20882040 (cited by Athena Diagnostics).